The following is an entry in ClinVar:

ClinVar aggregate classification (germline): Uncertain significance (1 of 4 stars; one submission).

Conditions:
Hereditary cancer-predisposing syndrome. Also called: Neoplastic Syndromes, Hereditary; Hereditary Cancer Syndrome; Tumor predisposition; Hereditary neoplastic syndrome. Identifiers: Orphanet 140162, MedGen C0027672, MeSH D009386, MONDO:0015356.

Submission:

Ambry Genetics
Classification: Uncertain significance for Hereditary cancer-predisposing syndrome. Last evaluated: 2025-02-06. Review status: criteria provided, single submitter. Criteria: Ambry Variant Classification Scheme 2023. Collection method: clinical testing. Allele origin: germline.
Comment: The p.C990G variant (also known as c.2968T>G), located in coding exon 19 of the RAD50 gene, results from a T to G substitution at nucleotide position 2968. The cysteine at codon 990 is replaced by glycine, an amino acid with highly dissimilar properties. This amino acid position is conserved. In addition, this alteration is predicted to be tolerated by in silico analysis. Based on the available evidence, the clinical significance of this variant remains unclear.

NM_005732.4(RAD50):c.2968T>G (p.Cys990Gly)

Gene: RAD50 (RAD50 double strand break repair protein; plus strand). Cytogenetic location: 5q31.1.
Variant type: single nucleotide variant.
Coding change: c.2968T>G on transcript NM_005732.4 (MANE Select); coding-DNA position 2968, T replaced by G.
Protein change: p.Cys990Gly; replaces cysteine 990 with glycine.
Molecular consequence: missense variant.
Genome position (GRCh38, 1-based): chr5:132,609,328, T>G. VCF-style: chr5-132609328-T-G. GRCh37 (hg19) VCF-style: chr5-131945020-T-G.
Other names: short protein forms C990G.
Identifiers: ClinVar variation 3786310 (VCV003786310.1).